The following is an entry in ClinVar:

NM_002519.3(NPAT):c.3215C>T (p.Pro1072Leu)

Gene: NPAT (nuclear protein, coactivator of histone transcription; minus strand). Cytogenetic location: 11q22.3.
Variant type: single nucleotide variant.
Coding change: c.3215C>T on transcript NM_002519.3 (MANE Select); coding-DNA position 3215, C replaced by T.
Protein change: p.Pro1072Leu; replaces proline 1072 with leucine.
Molecular consequence: missense variant.
Genome position (GRCh38, 1-based): chr11:108,161,871, G>A on the plus strand (C>T on the coding strand, the complement: NPAT is on the minus strand). VCF-style: chr11-108161871-G-A. GRCh37 (hg19) VCF-style: chr11-108032598-G-A.
Other names: c.3236C>T, p.Pro1079Leu (NM_001321307.1); short protein forms P1072L, P1079L.
Identifiers: ClinVar variation 2568002 (VCV002568002.2), dbSNP rs1379712809, ClinGen allele CA382511292.
Genomic context (GRCh38, chr11:108,161,871, plus strand): 5'-GCATTCCTTTCTTTGTTTTGGGACACCATCTTATGGTTTGGCCCCTGCGTATTTGCCACA[G>A]GAGCAGTAGTGCTGTCGAAACAGAGTACACGTCTGTGGCATGGTTTAGCAGCTGGAACTA-3'
Protein context (NP_002510.2, residues 1062-1082): RVLCFDSTTA[Pro1072Leu]VANTQGPNHK

ClinVar aggregate classification (germline): Uncertain significance (1 of 4 stars; one submission).

gnomAD v4.1: 3 of 1,614,132 alleles (0.00019%); highest among the groups gnomAD compares: East Asian, 0.0067%; no homozygotes.

Submission:

Ambry Genetics
Classification: Uncertain significance. Last evaluated: 2023-05-14. Review status: criteria provided, single submitter. Criteria: Ambry Variant Classification Scheme 2023. Collection method: clinical testing. Allele origin: germline.
Comment: The p.P1072L variant (also known as c.3215C>T), located in coding exon 17 of the NPAT gene, results from a C to T substitution at nucleotide position 3215. The proline at codon 1072 is replaced by leucine, an amino acid with similar properties. This amino acid position is conserved. In addition, this alteration is predicted to be tolerated by in silico analysis. Since supporting evidence is limited at this time, the clinical significance of this alteration remains unclear.